The following is an entry in ClinVar:

ClinVar aggregate classification (germline): Pathogenic (1 of 4 stars; one submission).

Submission:

GeneDx
Classification: Pathogenic. Last evaluated: 2016-02-23. Review status: criteria provided, single submitter. Criteria: GeneDx Variant Classification (06012015). Collection method: clinical testing. Allele origin: germline. Affected: yes.
Comment: The c.762+2T>C variant in the PLP1 gene has been reported previously in association with Pelizaeus-Merzbacher disease (Mimault et al., 1999). This splice site variant destroys the canonical splice donor site in intron 6. It is predicted to cause abnormal gene splicing, either leading to an abnormal message that is subject to nonsense-mediated mRNA decay, or to an abnormal protein product if the message is used for protein translation. The c.762+2T>C variant was not observed in approximately 6,500 individuals of European and African American ancestry in the NHLBI Exome Sequencing Project, indicating it is not a common variant in these populations. We interpret c.762+2T>C as a pathogenic variant.

NM_000533.5(PLP1):c.762+2T>C

Genes: PLP1 (proteolipid protein 1; plus strand), RAB9B (RAB9B, member RAS oncogene family; minus strand). Cytogenetic location: Xq22.2.
Variant type: single nucleotide variant.
Coding change: c.762+2T>C on transcript NM_000533.5 (MANE Select); the canonical splice donor site of the intron after coding-DNA position 762, T replaced by C.
Molecular consequence: splice donor variant.
Genome position (GRCh38, 1-based): chrX:103,789,400, T>C. VCF-style: chrX-103789400-T-C. GRCh37 (hg19) VCF-style: chrX-103044329-T-C.
Other names: c.762+2T>C (NM_001128834.3); c.657+2T>C (NM_199478.3); c.597+2T>C (NM_001305004.1).
Identifiers: ClinVar variation 265341 (VCV000265341.2), dbSNP rs886039487, ClinGen allele CA10588736.